The following is an entry in ClinVar:

ClinVar aggregate classification (germline): Uncertain significance (1 of 4 stars; one submission).

Conditions:
Hereditary cancer-predisposing syndrome. Also called: Tumor predisposition; Hereditary neoplastic syndrome; Hereditary Cancer Syndrome; Neoplastic Syndromes, Hereditary. Identifiers: Orphanet 140162, MedGen C0027672, MeSH D009386, MONDO:0015356.

Submission:

Ambry Genetics
Classification: Uncertain significance for Hereditary cancer-predisposing syndrome. Last evaluated: 2024-02-24. Review status: criteria provided, single submitter. Criteria: Ambry Variant Classification Scheme 2023. Collection method: clinical testing. Allele origin: germline.
Comment: The p.H426L variant (also known as c.1277A>T), located in coding exon 8 of the CTNNA1 gene, results from an A to T substitution at nucleotide position 1277. The histidine at codon 426 is replaced by leucine, an amino acid with similar properties. This amino acid position is conserved. In addition, this alteration is predicted to be deleterious by in silico analysis. Based on the available evidence, the clinical significance of this alteration remains unclear.

NM_001903.5(CTNNA1):c.1277A>T (p.His426Leu)

Gene: CTNNA1 (catenin alpha 1; plus strand). Cytogenetic location: 5q31.2.
Variant type: single nucleotide variant.
Coding change: c.1277A>T on transcript NM_001903.5 (MANE Select); coding-DNA position 1277, A replaced by T.
Protein change: p.His426Leu; replaces histidine 426 with leucine.
Molecular consequence: missense variant. On other transcripts: 5 prime UTR variant (5), intron variant (2).
Genome position (GRCh38, 1-based): chr5:138,887,623, A>T. VCF-style: chr5-138887623-A-T. GRCh37 (hg19) VCF-style: chr5-138223312-A-T.
Other names: c.1277A>T, p.His426Leu (NM_001290307.3, NM_001323982.2, NM_001323983.1 and 3 more transcripts); c.968A>T, p.His323Leu (NM_001290309.3); c.908A>T, p.His303Leu (NM_001290310.3); c.167A>T, p.His56Leu (NM_001290312.1, NM_001323987.1, NM_001323988.1 and 18 more transcripts); c.-231A>T (NM_001324006.1, NM_001324007.1, NM_001324008.1 and 1 more transcripts); c.-106A>T (NM_001324013.1); c.-58+12026A>T (NM_001324012.1); c.-61+12026A>T (NM_001324010.1); short protein forms H303L, H323L, H426L, H56L.
Identifiers: ClinVar variation 3221875 (VCV003221875.1), dbSNP rs756567640, ClinGen allele CA361133234.